The following is an entry in ClinVar:

NM_006445.4(PRPF8):c.4707G>A (p.Leu1569=)

Gene: PRPF8 (pre-mRNA processing factor 8; minus strand). Cytogenetic location: 17p13.3.
Variant type: single nucleotide variant.
Coding change: c.4707G>A on transcript NM_006445.4 (MANE Select); coding-DNA position 4707, G replaced by A.
Protein change: p.Leu1569=; no amino-acid change (leucine 1569 retained).
Molecular consequence: synonymous variant.
Genome position (GRCh38, 1-based): chr17:1,660,510, C>T on the plus strand (G>A on the coding strand, the complement: PRPF8 is on the minus strand). VCF-style: chr17-1660510-C-T. GRCh37 (hg19) VCF-style: chr17-1563804-C-T.
Identifiers: ClinVar variation 321883 (VCV000321883.23), dbSNP rs143237388, ClinGen allele CA8271601.

ClinVar aggregate classification (germline): Benign/Likely benign. Review status: criteria provided, multiple submitters, no conflicts (2 of 4 stars). 7 submissions from 7 submitters: Benign (3); Likely benign (2). 2 of the submissions do not count toward it. Last evaluated 2026-02-01.

Conditions:
Retinitis pigmentosa (RP). Identifiers: Orphanet 791, MedGen C0035334, MeSH D012174, MONDO:0019200, OMIM 268000. Inheritance: Autosomal dominant, autosomal recessive and X linked inheritance.

Allele frequency attached by ClinVar (database versions not stated): gnomAD exomes 0.00043 and 0.00084; ExAC 0.00100; ESP Exome Variant Server 0.00315; gnomAD 0.00324 and 0.00343; 1000 Genomes Project 30x 0.00625; TOPMed 0.00371; 1000 Genomes Project 0.00539.
gnomAD v4.1: 1,161 of 1,614,196 alleles (0.072%); highest among the groups gnomAD compares: African/African-American, 1%; 9 homozygotes.

Submissions (7):

CeGaT Center for Human Genetics Tuebingen
Classification: Likely benign. Last evaluated: 2026-02-01. Review status: criteria provided, single submitter. Criteria: CeGaT Center For Human Genetics Tuebingen Variant Classification Criteria Version 2. Collection method: clinical testing. Allele origin: germline. Affected: yes. Observed: 1 variant allele.
Comment: PRPF8: BP4, BS1

Labcorp Genetics (formerly Invitae), Labcorp
Classification: Benign. Last evaluated: 2026-02-01. Review status: criteria provided, single submitter. Criteria: Invitae Variant Classification Sherloc (09022015). Collection method: clinical testing. Allele origin: germline.

Blueprint Genetics
Classification: Likely benign. Last evaluated: 2024-11-11. Review status: criteria provided, single submitter. Criteria: ACMG Guidelines, 2015. Collection method: clinical testing. Allele origin: germline.

Illumina Laboratory Services, Illumina
Classification: Benign for Retinitis pigmentosa. Last evaluated: 2018-01-13. Review status: criteria provided, single submitter. Criteria: ICSL Variant Classification Criteria 13 December 2019. Collection method: clinical testing. Allele origin: germline.
Comment: This variant was observed in the ICSL laboratory as part of a predisposition screen in an ostensibly healthy population. It had not been previously curated by ICSL or reported in the Human Gene Mutation Database (HGMD: prior to June 1st, 2018), and was therefore a candidate for classification through an automated scoring system. Utilizing variant allele frequency, disease prevalence and penetrance estimates, and inheritance mode, an automated score was calculated to assess if this variant is too frequent to cause the disease. Based on the score and internal cut-off values, a variant classified as benign is not then subjected to further curation. The score for this variant resulted in a classification of benign for this disease.

Breakthrough Genomics
Classification: Benign. Review status: criteria provided, single submitter. Criteria: ACMG Guidelines, 2015. Collection method: not provided. Allele origin: germline. Inheritance: Autosomal dominant inheritance. Affected: yes.

Clinical Genetics DNA and cytogenetics Diagnostics Lab, Erasmus MC, Erasmus Medical Center
Classification: Likely benign. Review status: no assertion criteria provided. Collection method: clinical testing. Allele origin: germline. Affected: yes. Study: VKGL Data-share Consensus. Not counted in ClinVar's aggregate classification.

Clinical Genetics, Academic Medical Center
Classification: Benign. Review status: no assertion criteria provided. Collection method: clinical testing. Allele origin: germline. Affected: yes. Study: VKGL Data-share Consensus. Not counted in ClinVar's aggregate classification.